The following is an entry in ClinVar:

ClinVar aggregate classification (germline): Uncertain significance. Review status: criteria provided, multiple submitters, no conflicts (2 of 4 stars). 2 submissions from 2 submitters: Uncertain significance (2). Last evaluated 2025-01-21.

Conditions:
Cardiovascular phenotype. Identifiers: MedGen CN230736.

Allele frequency attached by ClinVar (database versions not stated): ExAC 0.00001; gnomAD 0.00001.
gnomAD v4.1: 5 of 1,613,682 alleles (0.00031%); highest among the groups gnomAD compares: South Asian, 0.0044%; no homozygotes.

Submissions (2):

GeneDx
Classification: Uncertain significance. Last evaluated: 2025-01-21. Review status: criteria provided, single submitter. Criteria: GeneDx Variant Classification Process June 2021. Collection method: clinical testing. Allele origin: germline. Affected: yes.
Comment: Not observed at significant frequency in large population cohorts (gnomAD); Missense variant in a gene in which most reported pathogenic variants are truncating/loss of function; Has not been previously published as pathogenic or benign to our knowledge

Ambry Genetics
Classification: Uncertain significance for Cardiovascular phenotype. Last evaluated: 2020-02-05. Review status: criteria provided, single submitter. Criteria: Ambry Variant Classification Scheme 2023. Collection method: clinical testing. Allele origin: germline.
Comment: The p.D21523G variant (also known as c.64568A>G), located in coding exon 164 of the TTN gene, results from an A to G substitution at nucleotide position 64568. The aspartic acid at codon 21523 is replaced by glycine, an amino acid with similar properties. This amino acid position is highly conserved in available vertebrate species. In addition, this alteration is predicted to be tolerated by in silico analysis. Since supporting evidence is limited at this time, the clinical significance of this alteration remains unclear.

NM_001267550.2(TTN):c.91763A>G (p.Asp30588Gly)

Genes: TTN (titin; minus strand), TTN-AS1 (TTN antisense RNA 1; plus strand). Cytogenetic location: 2q31.2.
Variant type: single nucleotide variant.
Coding change: c.91763A>G on transcript NM_001267550.2 (MANE Select); coding-DNA position 91763, A replaced by G.
Protein change: p.Asp30588Gly; replaces aspartic acid 30588 with glycine.
Molecular consequence: missense variant.
Genome position (GRCh38, 1-based): chr2:178,550,075, T>C on the plus strand (A>G on the coding strand, the complement: TTN is on the minus strand). VCF-style: chr2-178550075-T-C. GRCh37 (hg19) VCF-style: chr2-179414802-T-C.
Other names: c.86840A>G, p.Asp28947Gly (NM_001256850.1); c.64568A>G, p.Asp21523Gly (NM_003319.4); c.84059A>G, p.Asp28020Gly (NM_133378.4); c.64943A>G, p.Asp21648Gly (NM_133432.3); c.65144A>G, p.Asp21715Gly (NM_133437.4); short protein forms D30588G, D21715G, D28020G, D21523G, D21648G, D28947G.
Identifiers: ClinVar variation 1753623 (VCV001753623.3), dbSNP rs756837722, ClinGen allele CA1987570.